The following is an entry in ClinVar:

NM_032816.5(CEP89):c.2038G>A (p.Ala680Thr)

Gene: CEP89 (centrosomal protein 89; minus strand). Cytogenetic location: 19q13.11.
Variant type: single nucleotide variant.
Coding change: c.2038G>A on transcript NM_032816.5 (MANE Select); coding-DNA position 2038, G replaced by A.
Protein change: p.Ala680Thr; replaces alanine 680 with threonine.
Molecular consequence: missense variant.
Genome position (GRCh38, 1-based): chr19:32,881,941, C>T on the plus strand (G>A on the coding strand, the complement: CEP89 is on the minus strand). VCF-style: chr19-32881941-C-T. GRCh37 (hg19) VCF-style: chr19-33372847-C-T.
Other names: short protein forms A680T.
Identifiers: ClinVar variation 2082507 (VCV002082507.5), dbSNP rs770609431, ClinGen allele CA9359103.
Genomic context (GRCh38, chr19:32,881,941, plus strand): 5'-TGTCCTTCAGCACCTGGTGCAGGTGCCGCATCTCCTGCCGGTACTGGGCTGTCTTGCCGG[C>T]GAAGTCCTCCTGCTGCTCCAGCAGACGGTGACTGATGTCCCCCAGCTTCAGTGCTGCCTG-3'
Protein context (NP_116205.3, residues 670-690): HRLLEQQEDF[Ala680Thr]GKTAQYRQEM

ClinVar aggregate classification (germline): Uncertain significance. Review status: criteria provided, multiple submitters, no conflicts (2 of 4 stars). 2 submissions from 2 submitters: Uncertain significance (2). Last evaluated 2023-08-17.

Allele frequency attached by ClinVar (database versions not stated): gnomAD 0.00004; TOPMed 0.00004.
gnomAD v4.1: 52 of 1,598,884 alleles (0.0033%); highest among the groups gnomAD compares: Non-Finnish European, 0.0039%; no homozygotes.

Submissions (2):

Labcorp Genetics (formerly Invitae), Labcorp
Classification: Uncertain significance. Last evaluated: 2023-08-17. Review status: criteria provided, single submitter. Criteria: Invitae Variant Classification Sherloc (09022015). Collection method: clinical testing. Allele origin: germline.
Comment: This variant has not been reported in the literature in individuals affected with CEP89-related conditions. ClinVar contains an entry for this variant (Variation ID: 2082507). An algorithm developed to predict the effect of missense changes on protein structure and function (PolyPhen-2) suggests that this variant is likely to be disruptive. In summary, the available evidence is currently insufficient to determine the role of this variant in disease. Therefore, it has been classified as a Variant of Uncertain Significance. This sequence change replaces alanine, which is neutral and non-polar, with threonine, which is neutral and polar, at codon 680 of the CEP89 protein (p.Ala680Thr). The frequency data for this variant in the population databases is considered unreliable, as metrics indicate poor data quality at this position in the gnomAD database.

Ambry Genetics
Classification: Uncertain significance. Last evaluated: 2022-10-06. Review status: criteria provided, single submitter. Criteria: Ambry Variant Classification Scheme 2023. Collection method: clinical testing. Allele origin: germline.